The following is an entry in ClinVar:

NM_003482.4(KMT2D):c.10109del (p.Gln3370fs)

Gene: KMT2D (lysine methyltransferase 2D; minus strand). Cytogenetic location: 12q13.12.
Variant type: Deletion.
Coding change: c.10109del on transcript NM_003482.4 (MANE Select); coding-DNA position 10109, one base deleted (A; older notation c.10109delA).
Protein change: p.Gln3370fs; shifts the reading frame from glutamine 3370.
Molecular consequence: frameshift variant.
Genome position (GRCh38, 1-based): chr12:49,037,247, T deleted on the plus strand (A on the coding strand, the reverse complement: KMT2D is on the minus strand). VCF-style (leftmost placement, unchanged base first): chr12-49037246-CT-C. GRCh37 (hg19) VCF-style: chr12-49431029-CT-C.
Other names: short protein forms Q3370fs.
Identifiers: ClinVar variation 1320118 (VCV001320118.1), dbSNP rs2120476270, ClinGen allele CA2573053686.

ClinVar aggregate classification (germline): Pathogenic (1 of 4 stars; one submission).

Conditions:
Kabuki syndrome 1 (KABUK1). Also called: KMT2D-Related Kabuki Syndrome. Identifiers: Orphanet 2322, MedGen CN030661, MONDO:0007843, OMIM 147920.

Submission:

3billion
Classification: Pathogenic for Kabuki syndrome 1. Last evaluated: 2021-10-02. Review status: criteria provided, single submitter. Criteria: ACMG Guidelines, 2015. Collection method: clinical testing. Allele origin: germline. Affected: yes. Observed: 1 heterozygote.
Comment: Frameshift: predicted to result in a loss or disruption of normal protein function through nonsense-mediated decay (NMD) or protein truncation. Multiple pathogenic variants are reported downstream of the variant (PVS1_VS). The variant was observed as assumed (i.e. paternity and maternity not confirmed) de novoo (3billion dataset, PM6). It is not observed in the gnomAD v2.1.1 dataset (PM2). Patient's phenotype is considered compatible with Kabuki syndrome 1 (3billion dataset, PP4). Therefore, this variant is classified as pathogenic according to the recommendation of ACMG/AMP guideline.